The following is an entry in ClinVar:

NM_021939.4(FKBP10):c.246-5C>G

Gene: FKBP10 (FKBP prolyl isomerase 10; plus strand). Cytogenetic location: 17q21.2.
Variant type: single nucleotide variant.
Coding change: c.246-5C>G on transcript NM_021939.4 (MANE Select); 5 bases into the intron before coding-DNA position 246, C replaced by G.
Molecular consequence: intron variant.
Genome position (GRCh38, 1-based): chr17:41,817,053, C>G. VCF-style: chr17-41817053-C-G. GRCh37 (hg19) VCF-style: chr17-39973305-C-G.
Identifiers: ClinVar variation 195370 (VCV000195370.51), dbSNP rs140027863, ClinGen allele CA241786.
Genomic context (GRCh38, chr17:41,817,053, plus strand): 5'-GTGCCACCATGGGCAGTGTGTGTGTGTCTGAGGTCACTGTATCCCATCTGTCCCTCCCCC[C>G]CCAGCTATGATCGCAACACCTTGGTGGCCATCGTGGTGGGTGTGGGGCGCCTCATCACTG-3'

ClinVar aggregate classification (germline): Conflicting classifications of pathogenicity. Review status: criteria provided, conflicting classifications (1 of 4 stars). 10 submissions from 10 submitters: Uncertain significance (3); Benign (2); Likely benign (4). 1 of the submissions does not count toward it. Last evaluated 2026-02-01.

Conditions:
FKBP10-related disorder. Also called: FKBP10-related condition.
Osteogenesis imperfecta (OI). Identifiers: Orphanet 666, MedGen C0029434, MeSH D010013, MONDO:0019019.
Osteogenesis imperfecta type 11. Also called: Osteogenesis imperfecta, type XI; OI, TYPE XI. Identifiers: Orphanet 666, MedGen C3151218, MONDO:0012592, OMIM 610968.

Allele frequency attached by ClinVar (database versions not stated): 1000 Genomes Project 30x 0.00031; 1000 Genomes Project 0.00040; TOPMed 0.00130; ESP Exome Variant Server 0.00238.
gnomAD v4.1: 2,563 of 1,614,046 alleles (0.16%); highest among the groups gnomAD compares: Middle Eastern, 0.31%; 5 homozygotes.

Submissions (14):

Labcorp Genetics (formerly Invitae), Labcorp
Classification: Likely benign. Last evaluated: 2026-02-01. Review status: criteria provided, single submitter. Criteria: Invitae Variant Classification Sherloc (09022015). Collection method: clinical testing. Allele origin: germline.

Blueprint Genetics
Classification: Likely benign. Last evaluated: 2024-11-14. Review status: criteria provided, single submitter. Criteria: ACMG Guidelines, 2015. Collection method: clinical testing. Allele origin: germline.

CeGaT Center for Human Genetics Tuebingen
Classification: Likely benign. Last evaluated: 2024-10-01. Review status: criteria provided, single submitter. Criteria: CeGaT Center For Human Genetics Tuebingen Variant Classification Criteria Version 2. Collection method: clinical testing. Allele origin: germline. Affected: yes. Observed: 1 variant allele.
Comment: FKBP10: BP4

Women's Health and Genetics/Laboratory Corporation of America, LabCorp
Classification: Benign. Last evaluated: 2023-08-08. Review status: criteria provided, single submitter. Criteria: LabCorp Variant Classification Summary - May 2015. Collection method: clinical testing. Allele origin: germline.
Comment: Variant summary: FKBP10 c.246-5C>G alters a a non-conserved nucleotide located close to a canonical splice site and therefore could affect mRNA splicing, leading to a significantly altered protein sequence. Several computational tools predict a significant impact on normal splicing: One predict the variant no significant impact on splicing. Three predict the variant weakens a 3' acceptor site. However, these predictions have yet to be confirmed by functional studies. The variant allele was found at a frequency of 0.0013 in 249582 control chromosomes (including 1 homozygote), predominantly at a frequency of 0.0023 within the Non-Finnish European subpopulation in the gnomAD database. The observed variant frequency within Non-Finnish European control individuals in the gnomAD database is approximately 2 fold of the estimated maximal expected allele frequency for a pathogenic variant in FKBP10 causing Osteogenesis Imperfecta phenotype (0.0011), strongly suggesting that the variant is a benign polymorphism found primarily in populations of Non-Finnish European origin. To our knowledge, no occurrence of c.246-5C>G in individuals affected with Osteogenesis Imperfecta and no experimental evidence demonstrating its impact on protein function have been reported. Six submitters have cited clinical-significance assessments for this variant to ClinVar after 2014 and classified as benign/likely benign (n=3) and VUS (n=3). Based on the evidence outlined above, the variant was classified as benign.

Genome Diagnostics Laboratory, The Hospital for Sick Children
Classification: Uncertain significance for Osteogenesis imperfecta. Last evaluated: 2020-12-09. Review status: criteria provided, single submitter. Criteria: ACMG Guidelines, 2015. Collection method: clinical testing. Allele origin: germline.

GeneDx
Classification: Benign. Last evaluated: 2019-12-09. Review status: criteria provided, single submitter. Criteria: GeneDx Variant Classification Process June 2021. Collection method: clinical testing. Allele origin: germline. Affected: yes.

ARUP Laboratories, Molecular Genetics and Genomics, ARUP Laboratories
Classification: Likely benign. Last evaluated: 2019-11-11. Review status: criteria provided, single submitter. Criteria: ARUP Molecular Germline Variant Investigation Process. Collection method: clinical testing. Allele origin: germline.

Eurofins Ntd Llc (ga)
Classification: Uncertain significance. Last evaluated: 2018-05-22. Review status: criteria provided, single submitter. Criteria: EGL ClinVar v180209 classification definitions. Collection method: clinical testing. Allele origin: germline. Observed: 3 variant alleles, 3 heterozygotes.

Illumina Laboratory Services, Illumina
Classification: Uncertain significance for Osteogenesis imperfecta type 11. Last evaluated: 2018-01-12. Review status: criteria provided, single submitter. Criteria: ICSL Variant Classification Criteria 13 December 2019. Collection method: clinical testing. Allele origin: germline.

PreventionGenetics, part of Exact Sciences
Classification: Likely benign for FKBP10-related condition. Last evaluated: 2020-02-14. Review status: no assertion criteria provided. Collection method: clinical testing. Allele origin: germline. Not counted in ClinVar's aggregate classification.
Comment: This variant is classified as likely benign based on ACMG/AMP sequence variant interpretation guidelines (Richards et al. 2015 PMID: 25741868, with internal and published modifications).

Dr. Peter K. Rogan Lab, Western University
No classification provided (evidence only). Condition: Clear cell carcinoma of kidney. Review status: no classification provided. Collection method: in vitro. Allele origin: not applicable. Functional consequence: retained intron. Not counted in ClinVar's aggregate classification.

Dr. Peter K. Rogan Lab, Western University
No classification provided (evidence only). Condition: Acute myeloid leukemia. Review status: no classification provided. Collection method: in vitro. Allele origin: not applicable. Functional consequence: retained intron. Not counted in ClinVar's aggregate classification.

Dr. Peter K. Rogan Lab, Western University
No classification provided (evidence only). Condition: Adrenocortical carcinoma, hereditary. Review status: no classification provided. Collection method: in vitro. Allele origin: not applicable. Functional consequence: skipped exon, retained intron. Not counted in ClinVar's aggregate classification.

Dr. Peter K. Rogan Lab, Western University
No classification provided (evidence only). Condition: Malignant tumor of esophagus. Review status: no classification provided. Collection method: in vitro. Allele origin: not applicable. Functional consequence: retained intron. Not counted in ClinVar's aggregate classification.